The following is an entry in ClinVar:

NM_001369.3(DNAH5):c.734A>G (p.Asn245Ser)

Gene: DNAH5 (dynein axonemal heavy chain 5; minus strand). Cytogenetic location: 5p15.2.
Variant type: single nucleotide variant.
Coding change: c.734A>G on transcript NM_001369.3 (MANE Select); coding-DNA position 734, A replaced by G.
Protein change: p.Asn245Ser; replaces asparagine 245 with serine.
Molecular consequence: missense variant.
Genome position (GRCh38, 1-based): chr5:13,920,544, T>C on the plus strand (A>G on the coding strand, the complement: DNAH5 is on the minus strand). VCF-style: chr5-13920544-T-C. GRCh37 (hg19) VCF-style: chr5-13920653-T-C.
Other names: short protein forms N245S.
Identifiers: ClinVar variation 1437958 (VCV001437958.8), dbSNP rs2151992686, ClinGen allele CA359220576.
Genomic context (GRCh38, chr5:13,920,544, plus strand): 5'-TCTGTCTGTTTGATCCATACTTTCATGCAATCCTCTATTTTTCCCAAAGTCTCAGGGTTA[T>C]TTGCTAGAGTCAAGTAGTCCGTAGGTTCCTTTAGGGTTTTCAGTTCAAGTATGTCACACT-3'
Protein context (NP_001360.1, residues 235-255): KEPTDYLTLA[Asn245Ser]NPETLGKIED

ClinVar aggregate classification (germline): Uncertain significance (1 of 4 stars; one submission).

Conditions:
Primary ciliary dyskinesia. Also called: Ciliary dyskinesia. Identifiers: Orphanet 244, MedGen C0008780, MONDO:0016575, HP:0012265.

gnomAD v4.1: 1 of 1,614,204 alleles (0.000062%); highest among the groups gnomAD compares: South Asian, 0.0011%; no homozygotes.

Submission:

Labcorp Genetics (formerly Invitae), Labcorp
Classification: Uncertain significance for Primary ciliary dyskinesia. Last evaluated: 2021-02-06. Review status: criteria provided, single submitter. Criteria: Invitae Variant Classification Sherloc (09022015). Collection method: clinical testing. Allele origin: germline.
Comment: This variant is not present in population databases (ExAC no frequency). In summary, the available evidence is currently insufficient to determine the role of this variant in disease. Therefore, it has been classified as a Variant of Uncertain Significance. Algorithms developed to predict the effect of sequence changes on RNA splicing suggest that this variant may create or strengthen a splice site, but this prediction has not been confirmed by published transcriptional studies. Advanced modeling of protein sequence and biophysical properties (such as structural, functional, and spatial information, amino acid conservation, physicochemical variation, residue mobility, and thermodynamic stability) performed at Invitae indicates that this missense variant is not expected to disrupt DNAH5 protein function. This variant has not been reported in the literature in individuals with DNAH5-related conditions. This sequence change replaces asparagine with serine at codon 245 of the DNAH5 protein (p.Asn245Ser). The asparagine residue is moderately conserved and there is a small physicochemical difference between asparagine and serine.